The following is an entry in ClinVar:

ClinVar aggregate classification (germline): Uncertain significance. Review status: criteria provided, multiple submitters, no conflicts (2 of 4 stars). 3 submissions from 3 submitters: Uncertain significance (3). Last evaluated 2022-11-15.

Conditions:
Cardiovascular phenotype. Identifiers: MedGen CN230736.
Hypertrophic cardiomyopathy 14. Identifiers: MedGen C2750467, MONDO:0013197, OMIM 613251.

Allele frequency attached by ClinVar (database versions not stated): gnomAD 0.00001; ExAC 0.00002; gnomAD exomes 0.00002; 1000 Genomes Project 30x 0.00016; 1000 Genomes Project 0.00020.
gnomAD v4.1: 13 of 1,614,254 alleles (0.00081%); highest among the groups gnomAD compares: East Asian, 0.029%; no homozygotes.

Submissions (3):

Labcorp Genetics (formerly Invitae), Labcorp
Classification: Uncertain significance for Hypertrophic cardiomyopathy 14. Last evaluated: 2022-11-15. Review status: criteria provided, single submitter. Criteria: Invitae Variant Classification Sherloc (09022015). Collection method: clinical testing. Allele origin: germline.
Comment: In summary, the available evidence is currently insufficient to determine the role of this variant in disease. Therefore, it has been classified as a Variant of Uncertain Significance. Advanced modeling of protein sequence and biophysical properties (such as structural, functional, and spatial information, amino acid conservation, physicochemical variation, residue mobility, and thermodynamic stability) performed at Invitae indicates that this missense variant is expected to disrupt MYH6 protein function. ClinVar contains an entry for this variant (Variation ID: 1303832). This variant has not been reported in the literature in individuals affected with MYH6-related conditions. This variant is present in population databases (rs199916773, gnomAD 0.03%). This sequence change replaces phenylalanine, which is neutral and non-polar, with leucine, which is neutral and non-polar, at codon 231 of the MYH6 protein (p.Phe231Leu).

Ambry Genetics
Classification: Uncertain significance for Cardiovascular phenotype. Last evaluated: 2020-04-08. Review status: criteria provided, single submitter. Criteria: Ambry Variant Classification Scheme 2023. Collection method: clinical testing. Allele origin: germline.
Comment: The p.F231L variant (also known as c.691T>C), located in coding exon 6 of the MYH6 gene, results from a T to C substitution at nucleotide position 691. The phenylalanine at codon 231 is replaced by leucine, an amino acid with highly similar properties. This amino acid position is highly conserved in available vertebrate species. In addition, this alteration is predicted to be deleterious by in silico analysis. Since supporting evidence is limited at this time, the clinical significance of this alteration remains unclear.

GeneDx
Classification: Uncertain significance. Last evaluated: 2020-01-10. Review status: criteria provided, single submitter. Criteria: GeneDx Variant Classification Process June 2021. Collection method: clinical testing. Allele origin: germline. Affected: yes.
Comment: Has not been previously published as pathogenic or benign to our knowledge; In silico analysis, which includes protein predictors and evolutionary conservation, supports a deleterious effect

NM_002471.4(MYH6):c.691T>C (p.Phe231Leu)

Gene: MYH6 (myosin heavy chain 6; minus strand). Cytogenetic location: 14q11.2.
Variant type: single nucleotide variant.
Coding change: c.691T>C on transcript NM_002471.4 (MANE Select); coding-DNA position 691, T replaced by C.
Protein change: p.Phe231Leu; replaces phenylalanine 231 with leucine.
Molecular consequence: missense variant.
Genome position (GRCh38, 1-based): chr14:23,404,340, A>G on the plus strand (T>C on the coding strand, the complement: MYH6 is on the minus strand). VCF-style: chr14-23404340-A-G. GRCh37 (hg19) VCF-style: chr14-23873549-A-G.
Other names: short protein forms F231L.
Identifiers: ClinVar variation 1303832 (VCV001303832.8), dbSNP rs199916773, ClinGen allele CA7116064.